The following is an entry in ClinVar:

ClinVar aggregate classification (germline): Uncertain significance (1 of 4 stars; one submission).

Conditions:
Developmental and epileptic encephalopathy. Identifiers: MedGen C5779964, MONDO:0100620.

Submission:

Labcorp Genetics (formerly Invitae), Labcorp
Classification: Uncertain significance for Early-infantile DEE. Last evaluated: 2022-05-27. Review status: criteria provided, single submitter. Criteria: Invitae Variant Classification Sherloc (09022015). Collection method: clinical testing. Allele origin: germline.
Comment: This variant is a gross deletion of the genomic region encompassing exon(s) 50-57 of the SPTAN1 gene, which includes the termination codon. This deletion extends beyond the assayed region for this gene and therefore may encompass additional genes. While this deletion is not anticipated to lead to nonsense mediated decay, it is expected to alter mRNA translation or result in a truncated protein product. In summary, the available evidence is currently insufficient to determine the role of this variant in disease. Therefore, it has been classified as a Variant of Uncertain Significance. Experimental studies and prediction algorithms are not available or were not evaluated, and the functional significance of this variant is currently unknown. This variant has not been reported in the literature in individuals affected with SPTAN1-related conditions.

NC_000009.11:g.(?_131389645)_(131398737_?)del

Genes: DYNC2I2 (dynein 2 intermediate chain 2; minus strand), SPTAN1 (spectrin alpha, non-erythrocytic 1; plus strand). Cytogenetic location: 9q34.11.
Variant type: Deletion.
Identifiers: ClinVar variation 2423788 (VCV002423788.4).